The following is an entry in ClinVar:

ClinVar aggregate classification (germline): Uncertain significance (1 of 4 stars; one submission).

Conditions:
Inborn genetic diseases. Identifiers: MedGen C0950123, MeSH D030342.

gnomAD v4.1: 5 of 1,613,988 alleles (0.00031%); highest among the groups gnomAD compares: Non-Finnish European, 0.00042%; no homozygotes.

Submission:

Ambry Genetics
Classification: Uncertain significance for Inborn genetic diseases. Last evaluated: 2024-12-25. Review status: criteria provided, single submitter. Criteria: Ambry Variant Classification Scheme 2023. Collection method: clinical testing. Allele origin: germline.
Comment: The p.T17S variant (also known as c.49A>T), located in coding exon 1 of the BMPR2 gene, results from an A to T substitution at nucleotide position 49. The threonine at codon 17 is replaced by serine, an amino acid with similar properties. This amino acid position is conserved. In addition, this alteration is predicted to be tolerated by in silico analysis. Based on the available evidence, the clinical significance of this variant remains unclear.

NM_001204.7(BMPR2):c.49A>T (p.Thr17Ser)

Gene: BMPR2 (bone morphogenetic protein receptor type 2; plus strand). Cytogenetic location: 2q33.1.
Variant type: single nucleotide variant.
Coding change: c.49A>T on transcript NM_001204.7 (MANE Select); coding-DNA position 49, A replaced by T.
Protein change: p.Thr17Ser; replaces threonine 17 with serine.
Molecular consequence: missense variant.
Genome position (GRCh38, 1-based): chr2:202,377,523, A>T. VCF-style: chr2-202377523-A-T. GRCh37 (hg19) VCF-style: chr2-203242246-A-T.
Other names: short protein forms T17S.
Identifiers: ClinVar variation 3824781 (VCV003824781.1).